The following is an entry in ClinVar:

NM_032776.3(JMJD1C):c.5072A>G (p.Asn1691Ser)

Gene: JMJD1C (jumonji domain containing 1C; minus strand). Cytogenetic location: 10q21.3.
Variant type: single nucleotide variant.
Coding change: c.5072A>G on transcript NM_032776.3 (MANE Select); coding-DNA position 5072, A replaced by G.
Protein change: p.Asn1691Ser; replaces asparagine 1691 with serine.
Molecular consequence: missense variant. On other transcripts: non-coding transcript variant (1).
Genome position (GRCh38, 1-based): chr10:63,206,597, T>C on the plus strand (A>G on the coding strand, the complement: JMJD1C is on the minus strand). VCF-style: chr10-63206597-T-C. GRCh37 (hg19) VCF-style: chr10-64966357-T-C.
Other names: c.4526A>G, p.Asn1509Ser (NM_001282948.2, NM_001318154.2); c.4208A>G, p.Asn1403Ser (NM_001318153.2); c.4958A>G, p.Asn1653Ser (NM_001322252.2); c.4415A>G, p.Asn1472Ser (NM_001322254.2, NM_001322258.2); short protein forms N1472S, N1653S, N1509S, N1691S, N1403S.
Identifiers: ClinVar variation 643122 (VCV000643122.8), dbSNP rs1483008499, ClinGen allele CA377035215.

ClinVar aggregate classification (germline): Uncertain significance (1 of 4 stars; one submission).

Conditions:
Early Myoclonic Encephalopathy. Identifiers: MedGen C0270855.

Allele frequency attached by ClinVar (database versions not stated): gnomAD 0.00001; gnomAD exomes below 0.00001; TOPMed below 0.00001.
gnomAD v4.1: 4 of 1,583,550 alleles (0.00025%); highest among the groups gnomAD compares: Non-Finnish European, 0.00034%; no homozygotes.

Submission:

Labcorp Genetics (formerly Invitae), Labcorp
Classification: Uncertain significance for Early Myoclonic Encephalopathy. Last evaluated: 2023-05-22. Review status: criteria provided, single submitter. Criteria: Invitae Variant Classification Sherloc (09022015). Collection method: clinical testing. Allele origin: germline.
Comment: In summary, the available evidence is currently insufficient to determine the role of this variant in disease. Therefore, it has been classified as a Variant of Uncertain Significance. Algorithms developed to predict the effect of sequence changes on RNA splicing suggest that this variant may disrupt the consensus splice site. Algorithms developed to predict the effect of missense changes on protein structure and function output the following: SIFT: "Not Available"; PolyPhen-2: "Benign"; Align-GVGD: "Not Available". The serine amino acid residue is found in multiple mammalian species, which suggests that this missense change does not adversely affect protein function. ClinVar contains an entry for this variant (Variation ID: 643122). This missense change has been observed in individual(s) with developmental delay (PMID: 31954878). This variant is present in population databases (no rsID available, gnomAD 0.007%). This sequence change replaces asparagine, which is neutral and polar, with serine, which is neutral and polar, at codon 1691 of the JMJD1C protein (p.Asn1691Ser).

Literature cited by the submitters: PubMed 31954878.